The following is an entry in ClinVar:

NC_000021.8:g.(?_44473990)_(44474113_?)del

Gene: CBS (cystathionine beta-synthase; minus strand). Cytogenetic location: 21q22.3.
Variant type: Deletion.
Identifiers: ClinVar variation 3248154 (VCV003248154.1).

ClinVar aggregate classification (germline): Pathogenic (1 of 4 stars; one submission).

Conditions:
HYPERHOMOCYSTEINEMIA, THROMBOTIC, CBS-RELATED. Identifiers: MedGen C3150344, OMIM 236200.

Submission:

Labcorp Genetics (formerly Invitae), Labcorp
Classification: Pathogenic for HYPERHOMOCYSTEINEMIA, THROMBOTIC, CBS-RELATED. Last evaluated: 2023-03-08. Review status: criteria provided, single submitter. Criteria: Invitae Variant Classification Sherloc (09022015). Collection method: clinical testing. Allele origin: unknown.
Comment: For these reasons, this variant has been classified as Pathogenic. This variant disrupts a region of the CBS protein in which other variant(s) (p.Lys523Serfs*18) have been determined to be pathogenic (PMID: 12815602, 21520339, 25044645). This suggests that this is a clinically significant region of the protein, and that variants that disrupt it are likely to be disease-causing. This variant has not been reported in the literature in individuals affected with CBS-related conditions. This variant is a gross deletion of the genomic region encompassing exon(s) 17 of the CBS gene, which includes the termination codon. This deletion extends beyond the assayed region for this gene and therefore may encompass additional genes. While this deletion is not anticipated to lead to nonsense mediated decay, it is expected to alter mRNA translation or result in a truncated protein product.

Literature cited by the submitters: PubMed 12815602; PubMed 21520339; PubMed 25044645.